The following is an entry in ClinVar:

ClinVar aggregate classification (germline): Uncertain significance (1 of 4 stars; one submission).

gnomAD v4.1: 21 of 1,598,450 alleles (0.0013%); highest among the groups gnomAD compares: African/African-American, 0.025%; no homozygotes.

Submission:

GeneDx
Classification: Uncertain significance. Last evaluated: 2024-11-22. Review status: criteria provided, single submitter. Criteria: GeneDx Variant Classification Process June 2021. Collection method: clinical testing. Allele origin: germline. Affected: yes.
Comment: Not observed at significant frequency in large population cohorts (gnomAD); In silico analysis indicates that this variant does not alter splicing; Has not been previously published as pathogenic or benign to our knowledge

NM_001083614.2(EARS2):c.959-11C>A

Gene: EARS2 (glutamyl-tRNA synthetase 2, mitochondrial; minus strand). Cytogenetic location: 16p12.2.
Variant type: single nucleotide variant.
Coding change: c.959-11C>A on transcript NM_001083614.2 (MANE Select); 11 bases into the intron before coding-DNA position 959, C replaced by A.
Molecular consequence: intron variant.
Genome position (GRCh38, 1-based): chr16:23,532,776, G>T on the plus strand (C>A on the coding strand, the complement: EARS2 is on the minus strand). VCF-style: chr16-23532776-G-T. GRCh37 (hg19) VCF-style: chr16-23544097-G-T.
Other names: c.959-11C>A (NM_001308211.1).
Identifiers: ClinVar variation 3900220 (VCV003900220.1).